The following is an entry in ClinVar:

NM_020686.6(ABAT):c.1381+1G>T

Gene: ABAT (4-aminobutyrate aminotransferase; plus strand). Cytogenetic location: 16p13.2.
Variant type: single nucleotide variant.
Coding change: c.1381+1G>T on transcript NM_020686.6 (MANE Select); the canonical splice donor site of the intron after coding-DNA position 1381, G replaced by T.
Molecular consequence: splice donor variant. On other transcripts: intron variant (1).
Genome position (GRCh38, 1-based): chr16:8,779,591, G>T. VCF-style: chr16-8779591-G-T. GRCh37 (hg19) VCF-style: chr16-8873448-G-T.
Other names: c.1381+1G>T (NM_001386602.1, NM_001386603.1, NM_001386600.1 and 5 more transcripts); c.1477+1G>T (NM_001386615.1); c.1270-1718G>T (NM_001386609.1); c.1342+1G>T (NM_001386605.1); c.1318+1G>T (NM_001386607.1, NM_001386606.1); c.1288+1G>T (NM_001386608.1); c.1246+1G>T (NM_001386610.1, NM_001386611.1); c.1135+1G>T (NM_001386614.1); and 1 more.
Identifiers: ClinVar variation 2119073 (VCV002119073.4), dbSNP rs1292005742, ClinGen allele CA394690782.

ClinVar aggregate classification (germline): Uncertain significance (1 of 4 stars; one submission).

Conditions:
Gamma-aminobutyric acid transaminase deficiency (GABATD). Also called: GABA transaminase deficiency; Gamma aminobutyrate transaminase deficiency; 4 alpha aminobutyrate transaminase deficiency; GABA aminotransaminase deficiency. Identifiers: Orphanet 2066, MedGen C0342708, MONDO:0013166, OMIM 613163.

Submission:

Labcorp Genetics (formerly Invitae), Labcorp
Classification: Uncertain significance for Gamma-aminobutyric acid transaminase deficiency. Last evaluated: 2022-04-08. Review status: criteria provided, single submitter. Criteria: Invitae Variant Classification Sherloc (09022015). Collection method: clinical testing. Allele origin: germline.
Comment: This sequence change affects a donor splice site in intron 15 of the ABAT gene. While this variant is not anticipated to result in nonsense mediated decay, it likely alters RNA splicing and results in a disrupted protein product. This variant is not present in population databases (gnomAD no frequency). This variant has not been reported in the literature in individuals affected with ABAT-related conditions. Variants that disrupt the consensus splice site are a relatively common cause of aberrant splicing (PMID: 17576681, 9536098). Algorithms developed to predict the effect of sequence changes on RNA splicing suggest that this variant may disrupt the consensus splice site. This variant disrupts a region of the ABAT protein in which other variant(s) (p.Leu478Pro) have been observed in individuals with ABAT-related conditions (PMID: 20052547, 25738457). This suggests that this is a clinically significant region of the protein, and that variants that disrupt it are likely to be disease-causing. In summary, the available evidence is currently insufficient to determine the role of this variant in disease. Therefore, it has been classified as a Variant of Uncertain Significance.

Literature cited by the submitters: PubMed 17576681; PubMed 9536098; PubMed 20052547; PubMed 25738457.